The following is an entry in ClinVar:

NM_052813.5(CARD9):c.126C>T (p.Pro42=)

Gene: CARD9 (caspase recruitment domain family member 9; minus strand). Cytogenetic location: 9q34.3.
Variant type: single nucleotide variant.
Coding change: c.126C>T on transcript NM_052813.5 (MANE Select); coding-DNA position 126, C replaced by T.
Protein change: p.Pro42=; no amino-acid change (proline 42 retained).
Molecular consequence: synonymous variant.
Genome position (GRCh38, 1-based): chr9:136,371,953, G>A on the plus strand (C>T on the coding strand, the complement: CARD9 is on the minus strand). VCF-style: chr9-136371953-G-A. GRCh37 (hg19) VCF-style: chr9-139266405-G-A.
Other names: p.Pro42=; c.126C>T, p.Pro42= (NM_052814.4).
Identifiers: ClinVar variation 365857 (VCV000365857.23), dbSNP rs10781499, ClinGen allele CA5333246.
Genomic context (GRCh38, chr9:136,371,953, plus strand): 5'-ACCCACTTTCCGTTTGCGGATGACCAGGTTGGGGTCGCTGAGCACCTGCTCCTCATCATC[G>A]GGGTTCAGGACCTTGCACTGCCGCAGGTAAGGTGTGATGCGTGAGGGGTCGATGACCGAG-3'
Protein context (NP_434700.2, residues 32-52): PYLRQCKVLN[Pro42=]DDEEQVLSDP

ClinVar aggregate classification (germline): Benign/Likely benign. Review status: criteria provided, multiple submitters, no conflicts (2 of 4 stars). 8 submissions from 8 submitters: Benign (7); Likely benign (1). Last evaluated 2026-02-04.

Conditions:
Predisposition to invasive fungal disease due to CARD9 deficiency (IMD103). Also called: CARD9 IMMUNODEFICIENCY; IMMUNODEFICIENCY 103, SUSCEPTIBILITY TO FUNGAL INFECTIONS; Candidiasis, familial, 2, autosomal recessive. Identifiers: Orphanet 457088, MedGen C1859353, MONDO:0008905, OMIM 212050.

Allele frequency attached by ClinVar (database versions not stated): 1000 Genomes Project 0.36621; 1000 Genomes Project 30x 0.37086; ESP Exome Variant Server 0.37429; TOPMed 0.37888; gnomAD 0.38097 and 0.38221; ExAC 0.40222; gnomAD exomes 0.40726 and 0.41775.
gnomAD v4.1: 665,668 of 1,609,980 alleles (41%); highest among the groups gnomAD compares: Admixed American, 52%; 140,540 homozygotes.

Submissions (8):

Labcorp Genetics (formerly Invitae), Labcorp
Classification: Benign for Predisposition to invasive fungal disease due to CARD9 deficiency. Last evaluated: 2026-02-04. Review status: criteria provided, single submitter. Criteria: Invitae Variant Classification Sherloc (09022015). Collection method: clinical testing. Allele origin: germline.

Blueprint Genetics
Classification: Likely benign. Last evaluated: 2024-11-27. Review status: criteria provided, single submitter. Criteria: ACMG Guidelines, 2015. Collection method: clinical testing. Allele origin: germline.

Unidad de Genómica Garrahan, Hospital de Pediatría Garrahan
Classification: Benign. Last evaluated: 2024-01-24. Review status: criteria provided, single submitter. Criteria: ACMG Guidelines, 2015. Collection method: clinical testing. Allele origin: germline. Affected: no. Observed: 67 variant alleles.
Comment: This variant is classified as Benign based on local population frequency. This variant was detected in 76% of patients studied by a panel of primary immunodeficiencies. Number of patients: 67. Only high quality variants are reported.

Mayo Clinic Laboratories, Mayo Clinic
Classification: Benign. Last evaluated: 2022-09-06. Review status: criteria provided, single submitter. Criteria: ACMG Guidelines, 2015. Collection method: clinical testing. Allele origin: germline. Observed: 65 variant alleles.

Genome-Nilou Lab
Classification: Benign for Predisposition to invasive fungal disease due to CARD9 deficiency. Last evaluated: 2021-07-14. Review status: criteria provided, single submitter. Criteria: ACMG Guidelines, 2015. Collection method: clinical testing. Allele origin: germline. Affected: no.

Illumina Laboratory Services, Illumina
Classification: Benign for Predisposition to invasive fungal disease due to CARD9 deficiency. Last evaluated: 2018-01-12. Review status: criteria provided, single submitter. Criteria: ICSL Variant Classification Criteria 13 December 2019. Collection method: clinical testing. Allele origin: germline.
Comment: This variant was observed in the ICSL laboratory as part of a predisposition screen in an ostensibly healthy population. It had not been previously curated by ICSL or reported in the Human Gene Mutation Database (HGMD: prior to June 1st, 2018), and was therefore a candidate for classification through an automated scoring system. Utilizing variant allele frequency, disease prevalence and penetrance estimates, and inheritance mode, an automated score was calculated to assess if this variant is too frequent to cause the disease. Based on the score and internal cut-off values, a variant classified as benign is not then subjected to further curation. The score for this variant resulted in a classification of benign for this disease.

Laboratory for Molecular Medicine, Mass General Brigham Personalized Medicine
Classification: Benign. Last evaluated: 2016-03-29. Review status: criteria provided, single submitter. Criteria: LMM Criteria. Collection method: clinical testing. Allele origin: germline.
Comment: Variant identified in a genome or exome case(s) and assessed due to predicted null impact of the variant or pathogenic assertions in the literature or databases. Disclaimer: This variant has not undergone full assessment. The following are preliminary notes: Frequency

Breakthrough Genomics
Classification: Benign. Review status: criteria provided, single submitter. Criteria: ACMG Guidelines, 2015. Collection method: not provided. Allele origin: germline. Inheritance: Autosomal recessive inheritance. Affected: yes.